The following is an entry in ClinVar:

ClinVar aggregate classification (germline): Conflicting classifications of pathogenicity. Review status: criteria provided, conflicting classifications (1 of 4 stars). 7 submissions from 7 submitters: Uncertain significance (6); Likely benign (1). Last evaluated 2025-03-07.

Conditions:
Alstrom syndrome (ALMS). Identifiers: Orphanet 64, MedGen C0268425, MONDO:0008763, OMIM 203800.
Cardiovascular phenotype. Identifiers: MedGen CN230736.

Allele frequency attached by ClinVar (database versions not stated): gnomAD exomes 0.00011; gnomAD 0.00013; ExAC 0.00014; TOPMed 0.00014; 1000 Genomes Project 30x 0.00016; 1000 Genomes Project 0.00020; ESP Exome Variant Server 0.00025.
gnomAD v4.1: 92 of 1,613,820 alleles (0.0057%); highest among the groups gnomAD compares: Middle Eastern, 0.066%; no homozygotes.

Submissions (7):

Women's Health and Genetics/Laboratory Corporation of America, LabCorp
Classification: Uncertain significance. Last evaluated: 2025-03-07. Review status: criteria provided, single submitter. Criteria: LabCorp Variant Classification Summary - May 2015. Collection method: clinical testing. Allele origin: germline.

Labcorp Genetics (formerly Invitae), Labcorp
Classification: Uncertain significance for Alstrom syndrome. Last evaluated: 2024-12-05. Review status: criteria provided, single submitter. Criteria: Invitae Variant Classification Sherloc (09022015). Collection method: clinical testing. Allele origin: germline.
Comment: This sequence change replaces threonine, which is neutral and polar, with methionine, which is neutral and non-polar, at codon 1466 of the ALMS1 protein (p.Thr1466Met). This variant is present in population databases (rs200980776, gnomAD 0.06%). This variant has not been reported in the literature in individuals affected with ALMS1-related conditions. ClinVar contains an entry for this variant (Variation ID: 667193). Experimental studies and prediction algorithms are not available or were not evaluated, and the functional significance of this variant is currently unknown. In summary, the available evidence is currently insufficient to determine the role of this variant in disease. Therefore, it has been classified as a Variant of Uncertain Significance.

GeneDx
Classification: Uncertain significance. Last evaluated: 2024-04-21. Review status: criteria provided, single submitter. Criteria: GeneDx Variant Classification Process June 2021. Collection method: clinical testing. Allele origin: germline. Affected: yes.
Comment: Has not been previously published as pathogenic or benign to our knowledge; In silico analysis indicates that this missense variant does not alter protein structure/function

Blueprint Genetics
Classification: Uncertain significance. Last evaluated: 2024-02-22. Review status: criteria provided, single submitter. Criteria: ACMG Guidelines, 2015. Collection method: clinical testing. Allele origin: germline.

Ambry Genetics
Classification: Likely benign for Cardiovascular phenotype. Last evaluated: 2023-03-02. Review status: criteria provided, single submitter. Criteria: Ambry Variant Classification Scheme 2023. Collection method: clinical testing. Allele origin: germline.

Department of Pathology and Laboratory Medicine, Sinai Health System
Classification: Uncertain significance for Alstrom syndrome. Last evaluated: 2022-08-31. Review status: criteria provided, single submitter. Criteria: ACMG Guidelines, 2015. Collection method: research. Allele origin: germline.

Laboratory for Molecular Medicine, Mass General Brigham Personalized Medicine
Classification: Uncertain significance. Last evaluated: 2018-12-27. Review status: criteria provided, single submitter. Criteria: LMM Criteria. Collection method: clinical testing. Allele origin: germline. Observed: 1 variant allele.
Comment: The p.Thr1466Met variant in ALMS1 has not been previously reported in individual s with hearing loss or Alstrom syndrome, but has been identified in 0.058% (14/2 4180) of African chromosomes by gnomAD. Compu tational prediction tools and conservation analysis suggest that this variant ma y not impact the protein, though this information is not predictive enough to ru le out pathogenicity. In summary, the clinical significance of this variant is u ncertain. ACMG/AMP Criteria applied: PM2_Supporting, BP4.

NM_001378454.1(ALMS1):c.4394C>T (p.Thr1465Met)

Gene: ALMS1 (ALMS1 centrosome and basal body associated protein; plus strand). Cytogenetic location: 2p13.1.
Variant type: single nucleotide variant.
Coding change: c.4394C>T on transcript NM_001378454.1 (MANE Select); coding-DNA position 4394, C replaced by T.
Protein change: p.Thr1465Met; replaces threonine 1465 with methionine.
Molecular consequence: missense variant.
Genome position (GRCh38, 1-based): chr2:73,450,921, C>T. VCF-style: chr2-73450921-C-T. GRCh37 (hg19) VCF-style: chr2-73678048-C-T.
Other names: c.4397C>T, p.Thr1466Met (NM_015120.4); c.4391C>T (NM_015120.4); short protein forms T1466M, T1465M.
Identifiers: ClinVar variation 667193 (VCV000667193.16), dbSNP rs200980776, ClinGen allele CA1713702.